The following is an entry in ClinVar:

NM_001166114.2(PNPLA6):c.1876T>G (p.Ser626Ala)

Gene: PNPLA6 (patatin like domain 6, lysophospholipase; plus strand). Cytogenetic location: 19p13.2.
Variant type: single nucleotide variant.
Coding change: c.1876T>G on transcript NM_001166114.2 (MANE Select); coding-DNA position 1876, T replaced by G.
Protein change: p.Ser626Ala; replaces serine 626 with alanine.
Molecular consequence: missense variant.
Genome position (GRCh38, 1-based): chr19:7,550,359, T>G. VCF-style: chr19-7550359-T-G. GRCh37 (hg19) VCF-style: chr19-7615245-T-G.
Other names: c.1903T>G, p.Ser635Ala (NM_001166111.2); c.1681T>G, p.Ser561Ala (NM_001166112.2); c.1759T>G, p.Ser587Ala (NM_001166113.1, NM_006702.5); short protein forms S561A, S587A, S635A, S626A.
Identifiers: ClinVar variation 854975 (VCV000854975.9), dbSNP rs1484050135, ClinGen allele CA403122463.
Genomic context (GRCh38, chr19:7,550,359, plus strand): 5'-ATCATGCGCGCACAGCCCAGTGTGGTGCTGAGTGCGGCGCACACGGTGGCAGCCAGGATG[T>G]CGCCCTTCGTGCGCCAGATGGACTTCGCCATCGACTGGACTGCAGTGGAGGCGGGACGCG-3'
Protein context (NP_001159586.1, residues 616-636): SAAHTVAARM[Ser626Ala]PFVRQMDFAI

ClinVar aggregate classification (germline): Uncertain significance (1 of 4 stars; one submission).

Conditions:
Hereditary spastic paraplegia 39 (SPG39). Also called: Spastic Paraplegia Type 39 (SPG39); SPASTIC PARAPLEGIA 39, AUTOSOMAL RECESSIVE. Identifiers: Orphanet 139480, MedGen C2677586, MONDO:0012787, OMIM 612020.

Allele frequency attached by ClinVar (database versions not stated): gnomAD exomes 0.00001.
gnomAD v4.1: 10 of 1,612,334 alleles (0.00062%); highest among the groups gnomAD compares: Non-Finnish European, 0.00076%; no homozygotes.

Submission:

Labcorp Genetics (formerly Invitae), Labcorp
Classification: Uncertain significance for Hereditary spastic paraplegia 39. Last evaluated: 2025-09-02. Review status: criteria provided, single submitter. Criteria: Invitae Variant Classification Sherloc (09022015). Collection method: clinical testing. Allele origin: germline.
Comment: This sequence change replaces serine, which is neutral and polar, with alanine, which is neutral and non-polar, at codon 587 of the PNPLA6 protein (p.Ser587Ala). This variant is present in population databases (no rsID available, gnomAD 0.003%). This variant has not been reported in the literature in individuals affected with PNPLA6-related conditions. ClinVar contains an entry for this variant (Variation ID: 854975). Invitae Evidence Modeling of protein sequence and biophysical properties (such as structural, functional, and spatial information, amino acid conservation, physicochemical variation, residue mobility, and thermodynamic stability) indicates that this missense variant is expected to disrupt PNPLA6 protein function with a positive predictive value of 80%. In summary, the available evidence is currently insufficient to determine the role of this variant in disease. Therefore, it has been classified as a Variant of Uncertain Significance.